The following is an entry in ClinVar:

NM_032119.4(ADGRV1):c.18027A>G (p.Arg6009=)

Gene: ADGRV1 (adhesion G protein-coupled receptor V1; plus strand). Cytogenetic location: 5q14.3.
Variant type: single nucleotide variant.
Coding change: c.18027A>G on transcript NM_032119.4 (MANE Select); coding-DNA position 18027, A replaced by G.
Protein change: p.Arg6009=; no amino-acid change (arginine 6009 retained).
Molecular consequence: synonymous variant. On other transcripts: non-coding transcript variant (1).
Genome position (GRCh38, 1-based): chr5:90,985,397, A>G. VCF-style: chr5-90985397-A-G. GRCh37 (hg19) VCF-style: chr5-90281214-A-G.
Identifiers: ClinVar variation 1154477 (VCV001154477.14), dbSNP rs747036754, ClinGen allele CA3342542.

ClinVar aggregate classification (germline): Likely benign. Review status: criteria provided, multiple submitters, no conflicts (2 of 4 stars). 3 submissions from 3 submitters: Likely benign (2). 1 of the submissions does not count toward it. Last evaluated 2026-01-21.

Conditions:
ADGRV1-related disorder. Also called: ADGRV1-related disorders; ADGRV1-related condition.

Allele frequency attached by ClinVar (database versions not stated): gnomAD exomes 0.00001 and 0.00008; gnomAD 0.00003; TOPMed 0.00005; ExAC 0.00009.
gnomAD v4.1: 27 of 1,613,596 alleles (0.0017%); highest among the groups gnomAD compares: Admixed American, 0.032%; no homozygotes.

Submissions (3):

Labcorp Genetics (formerly Invitae), Labcorp
Classification: Likely benign. Last evaluated: 2026-01-21. Review status: criteria provided, single submitter. Criteria: Invitae Variant Classification Sherloc (09022015). Collection method: clinical testing. Allele origin: germline.

GeneDx
Classification: Likely benign. Last evaluated: 2019-03-04. Review status: criteria provided, single submitter. Criteria: GeneDx Variant Classification Process June 2021. Collection method: clinical testing. Allele origin: germline. Affected: yes.
Comment: See Variant Classification Assertion Criteria.

PreventionGenetics, part of Exact Sciences
Classification: Likely benign for ADGRV1-related condition. Last evaluated: 2019-06-12. Review status: no assertion criteria provided. Collection method: clinical testing. Allele origin: germline. Not counted in ClinVar's aggregate classification.
Comment: This variant is classified as likely benign based on ACMG/AMP sequence variant interpretation guidelines (Richards et al. 2015 PMID: 25741868, with internal and published modifications).